The following is an entry in ClinVar:

ClinVar aggregate classification (germline): Uncertain significance (1 of 4 stars; one submission).

Submission:

Labcorp Genetics (formerly Invitae), Labcorp
Classification: Uncertain significance. Last evaluated: 2024-07-19. Review status: criteria provided, single submitter. Criteria: Invitae Variant Classification Sherloc (09022015). Collection method: clinical testing. Allele origin: germline.
Comment: This variant, c.1457_1468del, results in the deletion of 4 amino acid(s) of the ABCA4 protein (p.Pro486_Ser489del), but otherwise preserves the integrity of the reading frame. This variant is not present in population databases (gnomAD no frequency). This variant has not been reported in the literature in individuals affected with ABCA4-related conditions. Experimental studies and prediction algorithms are not available or were not evaluated, and the functional significance of this variant is currently unknown. In summary, the available evidence is currently insufficient to determine the role of this variant in disease. Therefore, it has been classified as a Variant of Uncertain Significance.

NM_000350.3(ABCA4):c.1457_1468del (p.Pro486_Ser489del)

Gene: ABCA4 (ATP binding cassette subfamily A member 4; minus strand). Cytogenetic location: 1p22.1.
Variant type: Deletion.
Coding change: c.1457_1468del on transcript NM_000350.3 (MANE Select); coding-DNA positions 1457 to 1468, 12 bases deleted (CTCGGGAAAGCC).
Protein change: p.Pro486_Ser489del.
Genome position (GRCh38, 1-based): chr1:94,077,776-94,077,787, GGCTTTCCCGAG deleted on the plus strand (CTCGGGAAAGCC on the coding strand, the reverse complement: ABCA4 is on the minus strand); deleting any 12 consecutive bases within chr1:94,077,776-94,077,790 gives the same sequence; the c. name uses the placement nearest the transcript's 3' end. VCF-style (leftmost placement, unchanged base first): chr1-94077775-TGGCTTTCCCGAG-T. GRCh37 (hg19) VCF-style: chr1-94543331-TGGCTTTCCCGAG-T.
Other names: c.1457_1468del, p.Pro486_Ser489del (NM_001425324.1).
Identifiers: ClinVar variation 3659926 (VCV003659926.2).